The following is an entry in ClinVar:

NM_015338.6(ASXL1):c.3125dup (p.Leu1043fs)

Gene: ASXL1 (ASXL transcriptional regulator 1; plus strand). Cytogenetic location: 20q11.21.
Variant type: Duplication.
Coding change: c.3125dup on transcript NM_015338.6 (MANE Select); coding-DNA position 3125, one base duplicated (C; older notation c.3125dupC).
Protein change: p.Leu1043fs; shifts the reading frame from leucine 1043.
Molecular consequence: frameshift variant.
Genome position (GRCh38, 1-based): chr20:32,435,837, C duplicated; the last of 4 consecutive C bases (chr20:32,435,834-32,435,837); duplicating any one gives the same sequence. VCF-style (leftmost placement, unchanged base first): chr20-32435833-G-GC. GRCh37 (hg19) VCF-style: chr20-31023636-G-GC.
Other names: c.2942dup, p.Leu982fs (NM_001363734.1); short protein forms L1043fs, L982fs.
Identifiers: ClinVar variation 3338642 (VCV003338642.3), dbSNP rs2515576575.

ClinVar aggregate classification (germline): Likely pathogenic. Review status: criteria provided, single submitter (1 of 4 stars). 2 submissions from 2 submitters: Likely pathogenic (1). 1 of the submissions does not count toward it. Last evaluated 2025-01-30.

Conditions:
Bohring-Opitz syndrome. Also called: ASXL1-Related Bohring-Opitz Syndrome; C-LIKE SYNDROME; BOHRING SYNDROME; OPITZ TRIGONOCEPHALY-LIKE SYNDROME. Identifiers: Orphanet 97297, MedGen C0796232, MONDO:0011510, OMIM 605039.

Submissions (2):

Medgenome Labs Ltd
Classification: Likely pathogenic for Bohring-Opitz syndrome. Last evaluated: 2025-01-30. Review status: criteria provided, single submitter. Criteria: ACMG Guidelines, 2015. Collection method: clinical testing. Allele origin: germline. Affected: yes.

Department of Pediatrics, Government Thiruvarur Medical College and Hospital
Classification: Likely pathogenic for Bohring-Opitz syndrome. Last evaluated: 2024-05-15. Review status: no assertion criteria provided. Criteria: ACMG Guidelines, 2015. Collection method: clinical testing. Allele origin: de novo. Inheritance: Autosomal dominant inheritance. Affected: yes. Observed: 1 heterozygote. Not counted in ClinVar's aggregate classification.
Comment: This variant is in the last exon, it might not cause non sense mediated decay, it is expected to cause truncation of protein. Many termination variants downstream to this position have been identified in literature to be disease causing. Loss of function variants has been previously reported to be disease causing (Hoischen et al., 2011). Further evidence will be required to prove pathogenicity of the variant. For these reasons, this variant has been classified as Likely Pathogenic.

Literature cited by the submitters: PubMed 21706002 (cited by Department of Pediatrics, Government Thiruvarur Medical College and Hospital).